The following is an entry in ClinVar:

NM_002691.4(POLD1):c.3219-3C>T

Gene: POLD1 (DNA polymerase delta 1, catalytic subunit; plus strand). Cytogenetic location: 19q13.33.
Variant type: single nucleotide variant.
Coding change: c.3219-3C>T on transcript NM_002691.4 (MANE Select); 3 bases into the intron before coding-DNA position 3219, C replaced by T.
Molecular consequence: intron variant.
Genome position (GRCh38, 1-based): chr19:50,417,839, C>T. VCF-style: chr19-50417839-C-T. GRCh37 (hg19) VCF-style: chr19-50921096-C-T.
Other names: c.3297-3C>T (LRG_785t2, NM_001308632.1); c.3219-3C>T (LRG_785t1, NM_001256849.1, NM_002691.2).
Identifiers: ClinVar variation 663539 (VCV000663539.14), dbSNP rs1303176364, ClinGen allele CA633685737.

ClinVar aggregate classification (germline): Uncertain significance. Review status: criteria provided, multiple submitters, no conflicts (2 of 4 stars). 3 submissions from 3 submitters: Uncertain significance (3). Last evaluated 2025-09-12.

Conditions:
POLD1-related polyposis and colorectal cancer syndrome (CRCS10). Also called: Colorectal cancer, susceptibility to, 10; Colorectal cancer 10; COLORECTAL CANCER, SUSCEPTIBILITY TO, ON CHROMOSOME 19q. Identifiers: Orphanet 220460, MedGen C2675481, MONDO:0012953, OMIM 612591.
Hereditary cancer-predisposing syndrome. Also called: Hereditary neoplastic syndrome; Tumor predisposition; Hereditary Cancer Syndrome; Neoplastic Syndromes, Hereditary. Identifiers: Orphanet 140162, MedGen C0027672, MeSH D009386, MONDO:0015356.

Allele frequency attached by ClinVar (database versions not stated): gnomAD exomes below 0.00001; TOPMed below 0.00001.

Submissions (3):

Ambry Genetics
Classification: Uncertain significance for Hereditary cancer-predisposing syndrome. Last evaluated: 2025-09-12. Review status: criteria provided, single submitter. Criteria: Ambry Variant Classification Scheme 2023. Collection method: clinical testing. Allele origin: germline.
Comment: The c.3219-3C>T intronic variant results from a C to T substitution 3 nucleotides upstream from coding exon 26 in the POLD1 gene. This nucleotide position is well conserved in available vertebrate species. In silico splice site analysis predicts that this alteration will not have any significant effect on splicing. Based on the available evidence, the clinical significance of this variant remains unclear.

Center for Genomic Medicine, Rigshospitalet, Copenhagen University Hospital
Classification: Uncertain significance. Last evaluated: 2025-03-04. Review status: criteria provided, single submitter. Criteria: ACMG Guidelines, 2015. Collection method: clinical testing. Allele origin: germline.

Labcorp Genetics (formerly Invitae), Labcorp
Classification: Uncertain significance for POLD1-related polyposis and colorectal cancer syndrome. Last evaluated: 2024-04-29. Review status: criteria provided, single submitter. Criteria: Invitae Variant Classification Sherloc (09022015). Collection method: clinical testing. Allele origin: germline.
Comment: This sequence change falls in intron 26 of the POLD1 gene. It does not directly change the encoded amino acid sequence of the POLD1 protein. It affects a nucleotide within the consensus splice site. The frequency data for this variant in the population databases is considered unreliable, as metrics indicate poor data quality at this position in the gnomAD database. This variant has not been reported in the literature in individuals affected with POLD1-related conditions. ClinVar contains an entry for this variant (Variation ID: 663539). Variants that disrupt the consensus splice site are a relatively common cause of aberrant splicing (PMID: 17576681, 9536098). Algorithms developed to predict the effect of sequence changes on RNA splicing suggest that this variant is not likely to affect RNA splicing. In summary, the available evidence is currently insufficient to determine the role of this variant in disease. Therefore, it has been classified as a Variant of Uncertain Significance.

Literature cited by the submitters: PubMed 17576681 (cited by Labcorp Genetics (formerly Invitae), Labcorp); PubMed 9536098 (cited by Labcorp Genetics (formerly Invitae), Labcorp).